The following is an entry in ClinVar:

ClinVar aggregate classification (germline): Uncertain significance (1 of 4 stars; one submission).

Conditions:
Hereditary cancer-predisposing syndrome. Also called: Tumor predisposition; Neoplastic Syndromes, Hereditary; Hereditary Cancer Syndrome; Hereditary neoplastic syndrome. Identifiers: Orphanet 140162, MedGen C0027672, MeSH D009386, MONDO:0015356.

Submission:

Ambry Genetics
Classification: Uncertain significance for Hereditary cancer-predisposing syndrome. Last evaluated: 2024-08-31. Review status: criteria provided, single submitter. Criteria: Ambry Variant Classification Scheme 2023. Collection method: clinical testing. Allele origin: germline.
Comment: The p.L378M variant (also known as c.1132T>A), located in coding exon 7 of the CTNNA1 gene, results from a T to A substitution at nucleotide position 1132. The leucine at codon 378 is replaced by methionine, an amino acid with highly similar properties. This amino acid position is conserved. In addition, the in silico prediction for this alteration is inconclusive. Based on the available evidence, the clinical significance of this variant remains unclear.

NM_001903.5(CTNNA1):c.1132T>A (p.Leu378Met)

Gene: CTNNA1 (catenin alpha 1; plus strand). Cytogenetic location: 5q31.2.
Variant type: single nucleotide variant.
Coding change: c.1132T>A on transcript NM_001903.5 (MANE Select); coding-DNA position 1132, T replaced by A.
Protein change: p.Leu378Met; replaces leucine 378 with methionine.
Molecular consequence: missense variant. On other transcripts: 5 prime UTR variant (5), intron variant (2).
Genome position (GRCh38, 1-based): chr5:138,886,281, T>A. VCF-style: chr5-138886281-T-A. GRCh37 (hg19) VCF-style: chr5-138221970-T-A.
Other names: c.1132T>A, p.Leu378Met (NM_001290307.3, NM_001323982.2, NM_001323983.1 and 3 more transcripts); c.823T>A, p.Leu275Met (NM_001290309.3); c.763T>A, p.Leu255Met (NM_001290310.3); c.22T>A, p.Leu8Met (NM_001290312.1, NM_001323987.1, NM_001323988.1 and 18 more transcripts); c.-376T>A (NM_001324006.1, NM_001324007.1, NM_001324008.1 and 1 more transcripts); c.-251T>A (NM_001324013.1); c.-58+10684T>A (NM_001324012.1); c.-61+10684T>A (NM_001324010.1); short protein forms L255M, L275M, L8M, L378M.
Identifiers: ClinVar variation 3498236 (VCV003498236.1).